The following is an entry in ClinVar:

NM_001243133.2(NLRP3):c.544G>C (p.Glu182Gln)

Gene: NLRP3 (NLR family pyrin domain containing 3; plus strand). Cytogenetic location: 1q44.
Variant type: single nucleotide variant.
Coding change: c.544G>C on transcript NM_001243133.2 (MANE Select); coding-DNA position 544, G replaced by C.
Protein change: p.Glu182Gln; replaces glutamic acid 182 with glutamine.
Molecular consequence: missense variant.
Genome position (GRCh38, 1-based): chr1:247,423,993, G>C. VCF-style: chr1-247423993-G-C. GRCh37 (hg19) VCF-style: chr1-247587295-G-C.
Other names: c.544G>C, p.Glu182Gln (NM_001079821.3, NM_001127461.3, NM_001127462.3 and 1 more transcripts); c.550G>C, p.Glu184Gln (NM_004895.5); short protein forms E184Q, E182Q.
Identifiers: ClinVar variation 854355 (VCV000854355.10), dbSNP rs899514427, ClinGen allele CA40690487.

ClinVar aggregate classification (germline): Uncertain significance (1 of 4 stars; one submission).

Conditions:
Cryopyrin associated periodic syndrome (CAPS). Identifiers: Orphanet 208650, MedGen C2316212, MONDO:0016168.

Allele frequency attached by ClinVar (database versions not stated): gnomAD 0.00001.

Submission:

Labcorp Genetics (formerly Invitae), Labcorp
Classification: Uncertain significance for Cryopyrin associated periodic syndrome. Last evaluated: 2019-12-12. Review status: criteria provided, single submitter. Criteria: Invitae Variant Classification Sherloc (09022015). Collection method: clinical testing. Allele origin: germline.
Comment: This variant has not been reported in the literature in individuals with NLRP3-related conditions. This variant is not present in population databases (ExAC no frequency). This sequence change replaces glutamic acid with glutamine at codon 184 of the NLRP3 protein (p.Glu184Gln). The glutamic acid residue is highly conserved and there is a small physicochemical difference between glutamic acid and glutamine. Algorithms developed to predict the effect of missense changes on protein structure and function output the following: SIFT: "Deleterious"; PolyPhen-2: "Possibly Damaging"; Align-GVGD: "Class C0". The glutamine amino acid residue is found in multiple mammalian species, suggesting that this missense change does not adversely affect protein function. These predictions have not been confirmed by published functional studies and their clinical significance is uncertain. In summary, the available evidence is currently insufficient to determine the role of this variant in disease. Therefore, it has been classified as a Variant of Uncertain Significance.